The following is an entry in ClinVar:

NM_001277058.2(ERCC6):c.1683G>T (p.Thr561=)

Genes: ERCC6 (ERCC excision repair 6, chromatin remodeling factor; minus strand), PGBD3 (piggyBac transposable element derived 3; minus strand). Cytogenetic location: 10q11.23.
Variant type: single nucleotide variant.
Coding change: c.1683G>T on transcript NM_001277058.2 (MANE Plus Clinical); coding-DNA position 1683, G replaced by T.
Protein change: p.Thr561=; no amino-acid change (threonine 561 retained).
Molecular consequence: synonymous variant. On other transcripts: intron variant (2).
Genome position (GRCh38, 1-based): chr10:49,516,836, C>A on the plus strand (G>T on the coding strand, the complement: ERCC6 is on the minus strand). VCF-style: chr10-49516836-C-A. GRCh37 (hg19) VCF-style: chr10-50724882-C-A.
Other names: c.1683G>T, p.Thr561= (NM_001277059.2); c.279G>T, p.Thr93= (NM_170753.3); c.1397+7197G>T (NM_001346440.2, NM_000124.4).
Identifiers: ClinVar variation 2640457 (VCV002640457.24), dbSNP rs146613178, ClinGen allele CA469790202.
Genomic context (GRCh38, chr10:49,516,836, plus strand): 5'-TTTGCAAAGAATTTTTGTCATTTTCCTCCTCCTTGATGGTGGAGGTTGCTGCACAGTAAA[C>A]GTAGATGGAACTTCATCAGGAGAGTCATCTTTAGGTGCGTATGAGGGATCATCTGAGTCA-3'
Protein context (NP_001263987.1, residues 551-571): KDDSPDEVPS[Thr561=]FTVQQPPPSR

ClinVar aggregate classification (germline): Likely benign (1 of 4 stars; one submission).

Submission:

CeGaT Center for Human Genetics Tuebingen
Classification: Likely benign. Last evaluated: 2023-05-01. Review status: criteria provided, single submitter. Criteria: CeGaT Center For Human Genetics Tuebingen Variant Classification Criteria Version 2. Collection method: clinical testing. Allele origin: germline. Affected: yes. Observed: 1 variant allele.
Comment: ERCC6: PM2:Supporting, BP4, BP7; PGBD3: PM2:Supporting, BP4, BP7